The following is an entry in ClinVar:

ClinVar aggregate classification (germline): Pathogenic (1 of 4 stars; one submission).

Conditions:
Congenital muscular dystrophy due to integrin alpha-7 deficiency. Also called: MYOPATHY, CONGENITAL, DUE TO INTEGRIN ALPHA-7 DEFICIENCY; Congenital muscular dystrophy with integrin alpha-7 deficiency; Muscular dystrophy, congenital, due to ITGA7 deficiency. Identifiers: Orphanet 34520, MedGen C2750786, MONDO:0013177, OMIM 613204.

Submission:

Labcorp Genetics (formerly Invitae), Labcorp
Classification: Pathogenic for Congenital muscular dystrophy due to integrin alpha-7 deficiency. Last evaluated: 2025-10-02. Review status: criteria provided, single submitter. Criteria: Invitae Variant Classification Sherloc (09022015). Collection method: clinical testing. Allele origin: germline.
Comment: This sequence change creates a premature translational stop signal (p.Tyr723*) in the ITGA7 gene. It is expected to result in an absent or disrupted protein product. Loss-of-function variants in ITGA7 are known to be pathogenic (PMID: 9590299). This variant is not present in population databases (gnomAD no frequency). This variant has not been reported in the literature in individuals affected with ITGA7-related conditions. ClinVar contains an entry for this variant (Variation ID: 842929). For these reasons, this variant has been classified as Pathogenic.

Literature cited by the submitters: PubMed 9590299.

NM_002206.3(ITGA7):c.2169_2171del (p.Tyr723_Ser724delinsTer)

Genes: ITGA7 (integrin subunit alpha 7; minus strand), LOC126861535 (CDK7 strongly-dependent group 2 enhancer GRCh37_chr12:56087579-56088778; plus strand). Cytogenetic location: 12q13.2.
Variant type: Deletion.
Coding change: c.2169_2171del on transcript NM_002206.3 (MANE Select); coding-DNA positions 2169 to 2171, 3 bases deleted (CTC; older notation c.2169_2171delCTC).
Protein change: p.Tyr723_Ser724delinsTer.
Molecular consequence: nonsense.
Genome position (GRCh38, 1-based): chr12:55,694,803-55,694,805, GAG deleted on the plus strand (CTC on the coding strand, the reverse complement: ITGA7 is on the minus strand). VCF-style (leftmost placement, unchanged base first): chr12-55694802-TGAG-T. GRCh37 (hg19) VCF-style: chr12-56088586-TGAG-T.
Other names: c.2181_2183del, p.Tyr727_Ser728delinsTer (NM_001144996.2); c.1890_1892delCTC, p.Tyr630_Leu965delinsTer (NM_001144997.2); c.1842_1844del, p.Tyr614_Ser615delinsTer (NM_001367993.1); c.825_827del, p.Tyr275_Ser276delinsTer (NM_001367994.1); c.2151_2153del, p.Tyr717_Ser718delinsTer (NM_001374465.1); c.2301_2303delCTC, p.Tyr767_Leu1102delinsTer (NM_001410977.1); c.2163_2165delCTC, p.Tyr721_Leu1056delinsTer (NM_001414029.1); c.2094_2096delCTC, p.Tyr698_Leu1033delinsTer (NM_001414030.1); and 4 more.
Identifiers: ClinVar variation 842929 (VCV000842929.8), dbSNP rs1872274494, ClinGen allele CA916083314.